The following is an entry in ClinVar:

NM_001854.4(COL11A1):c.-50A>G

Gene: COL11A1 (collagen type XI alpha 1 chain; minus strand). Cytogenetic location: 1p21.1.
Variant type: single nucleotide variant.
Coding change: c.-50A>G on transcript NM_001854.4 (MANE Select); 50 bases upstream of the start codon, A replaced by G.
Molecular consequence: 5 prime UTR variant. On other transcripts: non-coding transcript variant (1).
Genome position (GRCh38, 1-based): chr1:103,108,228, T>C on the plus strand (A>G on the coding strand, the complement: COL11A1 is on the minus strand). VCF-style: chr1-103108228-T-C. GRCh37 (hg19) VCF-style: chr1-103573784-T-C.
Other names: c.-50A>G (NM_001190709.2, NM_080629.3, NM_080630.4).
Identifiers: ClinVar variation 291554 (VCV000291554.5), dbSNP rs369810404, ClinGen allele CA975605.

ClinVar aggregate classification (germline): Conflicting classifications of pathogenicity. Review status: criteria provided, conflicting classifications (1 of 4 stars). 3 submissions from 2 submitters: Uncertain significance (2); Likely benign (1). Last evaluated 2018-01-12.

Conditions:
Stickler syndrome type 2 (STL2). Also called: STICKLER SYNDROME, TYPE II; STICKLER SYNDROME, BEADED VITREOUS TYPE; STICKLER SYNDROME, VITREOUS TYPE 2; COL11A1-Related Stickler Syndrome. Identifiers: Orphanet 828, Orphanet 90654, MedGen C1858084, MONDO:0011493, OMIM 604841.
Fibrochondrogenesis 1 (FBCG1). Identifiers: Orphanet 2021, MedGen C3278138, MONDO:0009226, OMIM 228520.

Allele frequency attached by ClinVar (database versions not stated): 1000 Genomes Project 30x 0.00016; TOPMed 0.00018; gnomAD exomes 0.00019 and 0.00034; 1000 Genomes Project 0.00020; ExAC 0.00021; ESP Exome Variant Server 0.00023; gnomAD 0.00026 and 0.00027.
gnomAD v4.1: 474 of 1,442,414 alleles (0.033%); highest among the groups gnomAD compares: Middle Eastern, 0.062%; no homozygotes.

Submissions (3):

Illumina Laboratory Services, Illumina
Classification: Uncertain significance for Fibrochondrogenesis 1. Last evaluated: 2018-01-12. Review status: criteria provided, single submitter. Criteria: ICSL Variant Classification Criteria 13 December 2019. Collection method: clinical testing. Allele origin: germline.

Illumina Laboratory Services, Illumina
Classification: Uncertain significance for Stickler syndrome type 2. Last evaluated: 2018-01-12. Review status: criteria provided, single submitter. Criteria: ICSL Variant Classification Criteria 13 December 2019. Collection method: clinical testing. Allele origin: germline.

GeneDx
Classification: Likely benign. Last evaluated: 2017-12-13. Review status: criteria provided, single submitter. Criteria: GeneDx Variant Classification (06012015). Collection method: clinical testing. Allele origin: germline. Affected: yes.
Comment: This variant is considered likely benign or benign based on one or more of the following criteria: it is a conservative change, it occurs at a poorly conserved position in the protein, it is predicted to be benign by multiple in silico algorithms, and/or has population frequency not consistent with disease.